The following is an entry in ClinVar:

NM_001370298.3(FGD4):c.1508T>C (p.Leu503Ser)

Gene: FGD4 (FYVE, RhoGEF and PH domain containing 4; plus strand). Cytogenetic location: 12p11.21.
Variant type: single nucleotide variant.
Coding change: c.1508T>C on transcript NM_001370298.3 (MANE Select); coding-DNA position 1508, T replaced by C.
Protein change: p.Leu503Ser; replaces leucine 503 with serine.
Molecular consequence: missense variant.
Genome position (GRCh38, 1-based): chr12:32,608,060, T>C. VCF-style: chr12-32608060-T-C. GRCh37 (hg19) VCF-style: chr12-32760994-T-C.
Other names: c.1352T>C, p.Leu451Ser (NM_001304481.2); c.353T>C, p.Leu118Ser (NM_001304483.2); c.65T>C, p.Leu22Ser (NM_001304484.2); c.818T>C, p.Leu273Ser (NM_001330373.2, NM_001330374.2, NM_001384130.1); c.545T>C, p.Leu182Ser (NM_001370297.1); c.1508T>C, p.Leu503Ser (NM_001384126.1); c.1097T>C, p.Leu366Ser (NM_001384127.1, NM_001384128.1, NM_001385118.1 and 1 more transcripts); short protein forms L366S, L451S, L182S, L22S, L118S, L273S, L503S.
Identifiers: ClinVar variation 585861 (VCV000585861.9), dbSNP rs555510533, ClinGen allele CA6506795.

ClinVar aggregate classification (germline): Uncertain significance. Review status: criteria provided, multiple submitters, no conflicts (2 of 4 stars). 3 submissions from 3 submitters: Uncertain significance (3). Last evaluated 2024-10-29.

Conditions:
Charcot-Marie-Tooth disease type 4. Also called: Charcot-Marie-Tooth, Type 4; Charcot-Marie-Tooth disease, type IV. Identifiers: Orphanet 64749, MedGen C4082197, MONDO:0018995.
Inborn genetic diseases. Identifiers: MedGen C0950123, MeSH D030342.

Allele frequency attached by ClinVar (database versions not stated): gnomAD exomes 0.00001 and 0.00002; ExAC 0.00002; TOPMed 0.00008; gnomAD 0.00009; 1000 Genomes Project 0.00020; 1000 Genomes Project 30x 0.00031.
gnomAD v4.1: 20 of 1,614,218 alleles (0.0012%); highest among the groups gnomAD compares: African/African-American, 0.025%; no homozygotes.

Submissions (3):

Ambry Genetics
Classification: Uncertain significance for Inborn genetic diseases. Last evaluated: 2024-10-29. Review status: criteria provided, single submitter. Criteria: Ambry Variant Classification Scheme 2023. Collection method: clinical testing. Allele origin: germline.

Labcorp Genetics (formerly Invitae), Labcorp
Classification: Uncertain significance for Charcot-Marie-Tooth disease type 4. Last evaluated: 2022-08-10. Review status: criteria provided, single submitter. Criteria: Invitae Variant Classification Sherloc (09022015). Collection method: clinical testing. Allele origin: germline.
Comment: This sequence change replaces leucine, which is neutral and non-polar, with serine, which is neutral and polar, at codon 366 of the FGD4 protein (p.Leu366Ser). This variant is present in population databases (rs555510533, gnomAD 0.02%). This variant has not been reported in the literature in individuals affected with FGD4-related conditions. ClinVar contains an entry for this variant (Variation ID: 585861). Algorithms developed to predict the effect of missense changes on protein structure and function (SIFT, PolyPhen-2, Align-GVGD) all suggest that this variant is likely to be disruptive. In summary, the available evidence is currently insufficient to determine the role of this variant in disease. Therefore, it has been classified as a Variant of Uncertain Significance.

Athena Diagnostics
Classification: Uncertain significance. Last evaluated: 2018-02-09. Review status: criteria provided, single submitter. Criteria: Athena Diagnostics Criteria. Collection method: clinical testing. Allele origin: germline.